The following is an entry in ClinVar:

NM_000057.4(BLM):c.1098A>G (p.Ile366Met)

Gene: BLM (BLM RecQ like helicase; plus strand). Cytogenetic location: 15q26.1.
Variant type: single nucleotide variant.
Coding change: c.1098A>G on transcript NM_000057.4 (MANE Select); coding-DNA position 1098, A replaced by G.
Protein change: p.Ile366Met; replaces isoleucine 366 with methionine.
Molecular consequence: missense variant. On other transcripts: 5 prime UTR variant (1).
Genome position (GRCh38, 1-based): chr15:90,760,157, A>G. VCF-style: chr15-90760157-A-G. GRCh37 (hg19) VCF-style: chr15-91303387-A-G.
Other names: c.1098A>G, p.Ile366Met (NM_001287246.2, NM_001287247.2); c.-28A>G (NM_001287248.2); short protein forms I366M.
Identifiers: ClinVar variation 1791158 (VCV001791158.11), dbSNP rs2151157156, ClinGen allele CA393842302.

ClinVar aggregate classification (germline): Uncertain significance. Review status: criteria provided, multiple submitters, no conflicts (2 of 4 stars). 2 submissions from 2 submitters: Uncertain significance (2). Last evaluated 2025-11-12.

Conditions:
Hereditary cancer-predisposing syndrome. Also called: Hereditary Cancer Syndrome; Hereditary neoplastic syndrome; Tumor predisposition; Neoplastic Syndromes, Hereditary. Identifiers: Orphanet 140162, MedGen C0027672, MeSH D009386, MONDO:0015356.
Bloom syndrome (BLM). Also called: Bloom-Torre-Machacek syndrome. Identifiers: Orphanet 125, MedGen C0005859, MONDO:0008876, OMIM 210900.

Submissions (2):

Labcorp Genetics (formerly Invitae), Labcorp
Classification: Uncertain significance for Bloom syndrome. Last evaluated: 2025-11-12. Review status: criteria provided, single submitter. Criteria: Invitae Variant Classification Sherloc (09022015). Collection method: clinical testing. Allele origin: germline.
Comment: This sequence change replaces isoleucine, which is neutral and non-polar, with methionine, which is neutral and non-polar, at codon 366 of the BLM protein (p.Ile366Met). This variant is not present in population databases (gnomAD no frequency). This variant has not been reported in the literature in individuals affected with BLM-related conditions. ClinVar contains an entry for this variant (Variation ID: 1791158). Invitae Evidence Modeling of protein sequence and biophysical properties (such as structural, functional, and spatial information, amino acid conservation, physicochemical variation, residue mobility, and thermodynamic stability) indicates that this missense variant is not expected to disrupt BLM protein function with a negative predictive value of 80%. In summary, the available evidence is currently insufficient to determine the role of this variant in disease. Therefore, it has been classified as a Variant of Uncertain Significance.

Ambry Genetics
Classification: Uncertain significance for Hereditary cancer-predisposing syndrome. Last evaluated: 2025-10-05. Review status: criteria provided, single submitter. Criteria: Ambry Variant Classification Scheme 2023. Collection method: clinical testing. Allele origin: germline.
Comment: The p.I366M variant (also known as c.1098A>G), located in coding exon 5 of the BLM gene, results from an A to G substitution at nucleotide position 1098. The isoleucine at codon 366 is replaced by methionine, an amino acid with highly similar properties. This amino acid position is poorly conserved in available vertebrate species. In addition, this alteration is predicted to be tolerated by in silico analysis. Since supporting evidence is limited at this time, the clinical significance of this alteration remains unclear.